The following is an entry in ClinVar:

ClinVar aggregate classification (germline): Uncertain significance (1 of 4 stars; one submission).

Submission:

GeneDx
Classification: Uncertain significance. Last evaluated: 2022-11-16. Review status: criteria provided, single submitter. Criteria: GeneDx Variant Classification Process June 2021. Collection method: clinical testing. Allele origin: germline. Affected: yes.
Comment: Not observed at significant frequency in large population cohorts (gnomAD); In silico analysis supports that this missense variant does not alter protein structure/function; Has not been previously published as pathogenic or benign to our knowledge

NM_021224.6(ZNF462):c.6283A>T (p.Ile2095Phe)

Gene: ZNF462 (zinc finger protein 462; plus strand). Cytogenetic location: 9q31.2.
Variant type: single nucleotide variant.
Coding change: c.6283A>T on transcript NM_021224.6 (MANE Select); coding-DNA position 6283, A replaced by T.
Protein change: p.Ile2095Phe; replaces isoleucine 2095 with phenylalanine.
Molecular consequence: missense variant.
Genome position (GRCh38, 1-based): chr9:106,938,963, A>T. VCF-style: chr9-106938963-A-T. GRCh37 (hg19) VCF-style: chr9-109701244-A-T.
Other names: c.3688A>T, p.Ile1230Phe (NM_001347997.2); short protein forms I1230F, I2095F.
Identifiers: ClinVar variation 2502687 (VCV002502687.1), dbSNP rs2538928540, ClinGen allele CA374426471.